The following is an entry in ClinVar:

ClinVar aggregate classification (germline): Uncertain significance. Review status: criteria provided, multiple submitters, no conflicts (2 of 4 stars). 2 submissions from 2 submitters: Uncertain significance (2). Last evaluated 2025-05-04.

Conditions:
POLD1-related polyposis and colorectal cancer syndrome (CRCS10). Also called: Colorectal cancer 10; COLORECTAL CANCER, SUSCEPTIBILITY TO, ON CHROMOSOME 19q; Colorectal cancer, susceptibility to, 10. Identifiers: Orphanet 220460, MedGen C2675481, MONDO:0012953, OMIM 612591.

gnomAD v4.1: 9 of 1,614,224 alleles (0.00056%); highest among the groups gnomAD compares: East Asian, 0.0022%; no homozygotes.

Submissions (2):

Labcorp Genetics (formerly Invitae), Labcorp
Classification: Uncertain significance. Last evaluated: 2025-05-04. Review status: criteria provided, single submitter. Criteria: Invitae Variant Classification Sherloc (09022015). Collection method: clinical testing. Allele origin: germline.
Comment: This sequence change replaces arginine, which is basic and polar, with histidine, which is basic and polar, at codon 1471 of the POLE protein (p.Arg1471His). The frequency data for this variant in the population databases is considered unreliable, as metrics indicate poor data quality at this position in the gnomAD database. This variant has not been reported in the literature in individuals affected with POLE-related conditions. ClinVar contains an entry for this variant (Variation ID: 836002). Invitae Evidence Modeling of protein sequence and biophysical properties (such as structural, functional, and spatial information, amino acid conservation, physicochemical variation, residue mobility, and thermodynamic stability) indicates that this missense variant is not expected to disrupt POLE protein function with a negative predictive value of 80%. In summary, the available evidence is currently insufficient to determine the role of this variant in disease. Therefore, it has been classified as a Variant of Uncertain Significance.

Molecular Pathology, Peter Maccallum Cancer Centre
Classification: Uncertain significance for POLD1-related polyposis and colorectal cancer syndrome. Last evaluated: 2024-05-20. Review status: criteria provided, single submitter. Criteria: ACMG Guidelines, 2015. Collection method: clinical testing. Allele origin: germline. Inheritance: Autosomal dominant inheritance.

NM_006231.4(POLE):c.4412G>A (p.Arg1471His)

Gene: POLE (DNA polymerase epsilon, catalytic subunit; minus strand). Cytogenetic location: 12q24.33.
Variant type: single nucleotide variant.
Coding change: c.4412G>A on transcript NM_006231.4 (MANE Select); coding-DNA position 4412, G replaced by A.
Protein change: p.Arg1471His; replaces arginine 1471 with histidine.
Molecular consequence: missense variant.
Genome position (GRCh38, 1-based): chr12:132,643,439, C>T on the plus strand (G>A on the coding strand, the complement: POLE is on the minus strand). VCF-style: chr12-132643439-C-T. GRCh37 (hg19) VCF-style: chr12-133220025-C-T.
Other names: c.4412G>A (NM_006231.2); short protein forms R1471H.
Identifiers: ClinVar variation 836002 (VCV000836002.10), dbSNP rs113809231, ClinGen allele CA246304742.
Genomic context (GRCh38, chr12:132,643,439, plus strand): 5'-CATGATGGGCGGCTGGTGCAGGCCATACCTGGTTCCAGGTAGCTGAACTGGGCCAGAGAG[C>T]GCATCTCCAGGTGCTCAAGAGCAAAGGTCTCTGCTTCCCAGCCTGAAAGGTGCCTCACCA-3'
Protein context (NP_006222.2, residues 1461-1481): ETFALEHLEM[Arg1471His]SLAQFSYLEP